The following is an entry in ClinVar:

NM_004621.6(TRPC6):c.202C>T (p.Arg68Trp)

Gene: TRPC6 (transient receptor potential cation channel subfamily C member 6; minus strand). Cytogenetic location: 11q22.1.
Variant type: single nucleotide variant.
Coding change: c.202C>T on transcript NM_004621.6 (MANE Select); coding-DNA position 202, C replaced by T.
Protein change: p.Arg68Trp; replaces arginine 68 with tryptophan.
Molecular consequence: missense variant.
Genome position (GRCh38, 1-based): chr11:101,504,767, G>A on the plus strand (C>T on the coding strand, the complement: TRPC6 is on the minus strand). VCF-style: chr11-101504767-G-A. GRCh37 (hg19) VCF-style: chr11-101375498-G-A.
Other names: c.202C>T (NM_004621.5); short protein forms R68W.
Identifiers: ClinVar variation 2066729 (VCV002066729.6), dbSNP rs754919065, ClinGen allele CA6244569.
Genomic context (GRCh38, chr11:101,504,767, plus strand): 5'-ACATGTATGCTGGTCCTCGATTAGCTAACCTTCTCCCCTTCTCACGGAGAACTGTCTGCC[G>A]CCGGTGAGCCAGTCTGTTGTCAGATCCCCGGCTGCAATAAAACAGAAAGATTGTAAACAA-3'
Protein context (NP_004612.2, residues 58-78): RGSDNRLAHR[Arg68Trp]QTVLREKGRR

ClinVar aggregate classification (germline): Conflicting classifications of pathogenicity. Review status: criteria provided, conflicting classifications (1 of 4 stars). 3 submissions from 3 submitters: Uncertain significance (2); Likely benign (1). Last evaluated 2025-05-16.

Conditions:
Inborn genetic diseases. Identifiers: MedGen C0950123, MeSH D030342.
TRPC6-related disorder. Also called: TRPC6-related condition.

Allele frequency attached by ClinVar (database versions not stated): gnomAD exomes 0.00003; gnomAD 0.00001; TOPMed 0.00001; ExAC 0.00008.

Submissions (3):

Ambry Genetics
Classification: Likely benign for Inborn genetic diseases. Last evaluated: 2025-05-16. Review status: criteria provided, single submitter. Criteria: Ambry Variant Classification Scheme 2023. Collection method: clinical testing. Allele origin: germline.

PreventionGenetics, part of Exact Sciences
Classification: Uncertain significance for TRPC6-related condition. Last evaluated: 2023-07-12. Review status: criteria provided, single submitter. Criteria: ACMG Guidelines, 2015. Collection method: clinical testing. Allele origin: germline.
Comment: The TRPC6 c.202C>T variant is predicted to result in the amino acid substitution p.Arg68Trp. This variant was reported in three individuals from a family with hematuria, proteinuria or FSGS, but was also observed in asymptomatic individuals (Sun et al 2015. PubMed ID: 26147534). This variant is reported in 0.040% of alleles in individuals of East Asian descent in gnomAD. At this time, the clinical significance of this variant is uncertain due to the absence of conclusive functional and genetic evidence.

Labcorp Genetics (formerly Invitae), Labcorp
Classification: Uncertain significance. Last evaluated: 2022-04-12. Review status: criteria provided, single submitter. Criteria: Invitae Variant Classification Sherloc (09022015). Collection method: clinical testing. Allele origin: germline.
Comment: In summary, the available evidence is currently insufficient to determine the role of this variant in disease. Therefore, it has been classified as a Variant of Uncertain Significance. Experimental studies have shown that this missense change affects TRPC6 function (PMID: 26147534). This sequence change replaces arginine, which is basic and polar, with tryptophan, which is neutral and slightly polar, at codon 68 of the TRPC6 protein (p.Arg68Trp). This variant is present in population databases (rs754919065, gnomAD 0.04%), and has an allele count higher than expected for a pathogenic variant. This missense change has been observed in individual(s) with focal segmental glomerulosclerosis (PMID: 26147534). Algorithms developed to predict the effect of missense changes on protein structure and function are either unavailable or do not agree on the potential impact of this missense change (SIFT: "Deleterious"; PolyPhen-2: "Possibly Damaging"; Align-GVGD: "Class C0").

Literature cited by the submitters: PubMed 26147534 (cited by Labcorp Genetics (formerly Invitae), Labcorp).